The following is an entry in ClinVar:

NM_001304360.2(CFAP74):c.587G>T (p.Arg196Leu)

Gene: CFAP74 (cilia and flagella associated protein 74; minus strand). Cytogenetic location: 1p36.33.
Variant type: single nucleotide variant.
Coding change: c.587G>T on transcript NM_001304360.2 (MANE Select); coding-DNA position 587, G replaced by T.
Protein change: p.Arg196Leu; replaces arginine 196 with leucine.
Molecular consequence: missense variant.
Genome position (GRCh38, 1-based): chr1:1,974,112, C>A on the plus strand (G>T on the coding strand, the complement: CFAP74 is on the minus strand). VCF-style: chr1-1974112-C-A. GRCh37 (hg19) VCF-style: chr1-1905551-C-A.
Other names: short protein forms R196L.
Identifiers: ClinVar variation 4880855 (VCV004880855.2).

ClinVar aggregate classification (germline): Uncertain significance (1 of 4 stars; one submission).

gnomAD v4.1: 1 of 1,612,472 alleles (0.000062%); highest among the groups gnomAD compares: Non-Finnish European, 0.000085%; no homozygotes.

Submission:

Dasa
Classification: Uncertain significance. Last evaluated: 2025-11-28. Review status: criteria provided, single submitter. Criteria: DASA Assertion Criteria. Collection method: clinical testing. Allele origin: germline.
Comment: NM_001304360.2(CFAP74):c.587G>T (p.Arg196Leu) is a missense variant that results in the substitution of arginine with leucine. This variant is rare in population databases. Computational prediction algorithms are consistent with a benign effect. The currently available literature and clinical evidence are not sufficient to establish a definitive association between this variant and the reported condition. Therefore, this variant is classified as a variant of uncertain significance.